The following is an entry in ClinVar:

NM_001199397.3(NEK1):c.3499G>A (p.Glu1167Lys)

Gene: NEK1 (NIMA related kinase 1; minus strand). Cytogenetic location: 4q33.
Variant type: single nucleotide variant.
Coding change: c.3499G>A on transcript NM_001199397.3 (MANE Select); coding-DNA position 3499, G replaced by A.
Protein change: p.Glu1167Lys; replaces glutamic acid 1167 with lysine.
Molecular consequence: missense variant. On other transcripts: non-coding transcript variant (1).
Genome position (GRCh38, 1-based): chr4:169,401,736, C>T on the plus strand (G>A on the coding strand, the complement: NEK1 is on the minus strand). VCF-style: chr4-169401736-C-T. GRCh37 (hg19) VCF-style: chr4-170322887-C-T.
Other names: c.3367G>A, p.Glu1123Lys (NM_001199398.3); c.3208G>A, p.Glu1070Lys (NM_001199399.3); c.3283G>A, p.Glu1095Lys (NM_001199400.3); c.3499G>A, p.Glu1167Lys (NM_001374418.1); c.3415G>A, p.Glu1139Lys (NM_001374419.1, NM_012224.4); c.3364G>A, p.Glu1122Lys (NM_001374420.1); c.3016G>A, p.Glu1006Lys (NM_001374421.1); short protein forms E1006K, E1070K, E1095K, E1122K, E1123K, E1139K, E1167K.
Identifiers: ClinVar variation 3352117 (VCV003352117.1).

ClinVar aggregate classification (germline): Uncertain significance (0 of 4 stars; one submission).

Conditions:
NEK1-related disorder. Also called: NEK1-related condition.

gnomAD v4.1: 5 of 1,613,814 alleles (0.00031%); highest among the groups gnomAD compares: African/African-American, 0.0067%; no homozygotes.

Submission:

PreventionGenetics, part of Exact Sciences
Classification: Uncertain significance for NEK1-related condition. Last evaluated: 2024-03-06. Review status: no assertion criteria provided. Collection method: clinical testing. Allele origin: germline.
Comment: The NEK1 c.3415G>A variant is predicted to result in the amino acid substitution p.Glu1139Lys. To our knowledge, this variant has not been reported in the literature. This variant is reported in 0.026% of alleles in individuals of African descent in gnomAD. At this time, the clinical significance of this variant is uncertain due to the absence of conclusive functional and genetic evidence.